The following is an entry in ClinVar:

NM_000090.4(COL3A1):c.1195-3T>G

Gene: COL3A1 (collagen type III alpha 1 chain; plus strand). Cytogenetic location: 2q32.2.
Variant type: single nucleotide variant.
Coding change: c.1195-3T>G on transcript NM_000090.4 (MANE Select); 3 bases into the intron before coding-DNA position 1195, T replaced by G.
Molecular consequence: intron variant.
Genome position (GRCh38, 1-based): chr2:188,994,231, T>G. VCF-style: chr2-188994231-T-G. GRCh37 (hg19) VCF-style: chr2-189858957-T-G.
Identifiers: ClinVar variation 922767 (VCV000922767.3), dbSNP rs1688248649, ClinGen allele CA913187958.

ClinVar aggregate classification (germline): Uncertain significance (1 of 4 stars; one submission).

Conditions:
Familial thoracic aortic aneurysm and aortic dissection (TAAD). Also called: Thoracic aortic aneurysms and dissections. Identifiers: Orphanet 91387, MedGen C4707243, MONDO:0019625.

Submission:

Color Diagnostics, LLC DBA Color Health
Classification: Uncertain significance for Familial thoracic aortic aneurysm and aortic dissection. Last evaluated: 2018-12-05. Review status: criteria provided, single submitter. Criteria: ACMG Guidelines, 2015. Collection method: clinical testing. Allele origin: germline.
Comment: Variant of Uncertain Significance due to insufficient evidence: This variant is located close to intron 17 canonical splice acceptor site of the COL3A1 gene. Computational splicing tools predict that this variant may have a significant impact on RNA splicing. To our knowledge, RNA study has not been performed to confirm the prediction. This variant has not been reported in individuals affected with cardiovascular disorders in the literature. This variant is rare in the general population and has been identified in 0/277264 chromosomes by the Genome Aggregation Database (gnomAD). Available evidence is insufficient to determine the pathogenicity of this variant conclusively.